The following is an entry in ClinVar:

ClinVar aggregate classification (germline): Uncertain significance (1 of 4 stars; one submission).

Conditions:
Inborn genetic diseases. Identifiers: MedGen C0950123, MeSH D030342.

Submission:

Ambry Genetics
Classification: Uncertain significance for Inborn genetic diseases. Last evaluated: 2024-11-30. Review status: criteria provided, single submitter. Criteria: Ambry Variant Classification Scheme 2023. Collection method: clinical testing. Allele origin: germline.
Comment: The p.D799G variant (also known as c.2396A>G), located in coding exon 13 of the ASXL1 gene, results from an A to G substitution at nucleotide position 2396. The aspartic acid at codon 799 is replaced by glycine, an amino acid with similar properties. This amino acid position is conserved. In addition, this alteration is predicted to be tolerated by in silico analysis. Based on the available evidence, the clinical significance of this variant remains unclear.

NM_015338.6(ASXL1):c.2396A>G (p.Asp799Gly)

Gene: ASXL1 (ASXL transcriptional regulator 1; plus strand). Cytogenetic location: 20q11.21.
Variant type: single nucleotide variant.
Coding change: c.2396A>G on transcript NM_015338.6 (MANE Select); coding-DNA position 2396, A replaced by G.
Protein change: p.Asp799Gly; replaces aspartic acid 799 with glycine.
Molecular consequence: missense variant.
Genome position (GRCh38, 1-based): chr20:32,435,108, A>G. VCF-style: chr20-32435108-A-G. GRCh37 (hg19) VCF-style: chr20-31022911-A-G.
Other names: c.2213A>G, p.Asp738Gly (NM_001363734.1); short protein forms D799G, D738G.
Identifiers: ClinVar variation 3439154 (VCV003439154.1).
Genomic context (GRCh38, chr20:32,435,108, plus strand): 5'-CTCAGTTGCATCCGGATGTTAGAACTGAATGTGAGTCTGGCACCACTTCCTGGGAAAGTG[A>G]TGATGAGGAGCAAGGACCCACCGTTCCTGCAGACAATGGTCCCATTCCGTCTCTAGTGGG-3'
Protein context (NP_056153.2, residues 789-809): CESGTTSWES[Asp799Gly]DEEQGPTVPA